The following is an entry in ClinVar:

NM_001103.4(ACTN2):c.964G>T (p.Asp322Tyr)

Gene: ACTN2 (actinin alpha 2; plus strand). Cytogenetic location: 1q43.
Variant type: single nucleotide variant.
Coding change: c.964G>T on transcript NM_001103.4 (MANE Select); coding-DNA position 964, G replaced by T.
Protein change: p.Asp322Tyr; replaces aspartic acid 322 with tyrosine.
Molecular consequence: missense variant.
Genome position (GRCh38, 1-based): chr1:236,739,389, G>T. VCF-style: chr1-236739389-G-T. GRCh37 (hg19) VCF-style: chr1-236902689-G-T.
Other names: c.964G>T, p.Asp322Tyr (NM_001278343.2); c.340G>T, p.Asp114Tyr (NM_001278344.2); c.964G>T (NM_001103.2); short protein forms D322Y, D114Y.
Identifiers: ClinVar variation 1448632 (VCV001448632.11), dbSNP rs1416760371, ClinGen allele CA345380348.
Genomic context (GRCh38, chr1:236,739,389, plus strand): 5'-CCCTGGCTGGAGAACCGGACTCCCGAGAAGACCATGCAAGCCATGCAGAAGAAGCTGGAG[G>T]ACTTCCGGGATTACCGCCGGAAGCACAAGCCACCCAAGGTGCAGGAGAAATGCCAGCTGG-3'
Protein context (NP_001094.1, residues 312-332): TMQAMQKKLE[Asp322Tyr]FRDYRRKHKP

ClinVar aggregate classification (germline): Uncertain significance. Review status: criteria provided, multiple submitters, no conflicts (2 of 4 stars). 3 submissions from 3 submitters: Uncertain significance (3). Last evaluated 2026-08-31.

Conditions:
Cardiovascular phenotype. Identifiers: MedGen CN230736.
Dilated cardiomyopathy 1AA (CMD1AA). Also called: CARDIOMYOPATHY, DILATED, 1AA, WITH OR WITHOUT LEFT VENTRICULAR NONCOMPACTION; CARDIOMYOPATHY, FAMILIAL HYPERTROPHIC, 23, WITH OR WITHOUT LEFT VENTRICULAR NONCOMPACTION; Cardiomyopathy, dilated, 1AA, with or without LVNC. Identifiers: Orphanet 154, MedGen C2677338, MONDO:0012808, OMIM 612158.
Primary familial hypertrophic cardiomyopathy (HCM). Identifiers: Orphanet 99739, MedGen C0949658, MeSH D024741, MONDO:0024573. Inheritance: Various modes of inheritance.

gnomAD v4.1: 1 of 1,614,124 alleles (0.000062%); highest among the groups gnomAD compares: South Asian, 0.0011%; no homozygotes.

Submissions (3):

Ambry Genetics
Classification: Uncertain significance for Cardiovascular phenotype. Last evaluated: 2026-08-31. Review status: criteria provided, single submitter. Criteria: Ambry Variant Classification Scheme 2023. Collection method: clinical testing. Allele origin: germline.
Comment: The p.D322Y variant (also known as c.964G>T), located in coding exon 10 of the ACTN2 gene, results from a G to T substitution at nucleotide position 964. The aspartic acid at codon 322 is replaced by tyrosine, an amino acid with highly dissimilar properties. This amino acid position is conserved. In addition, this alteration is predicted to be deleterious by in silico analysis. Based on the available evidence, the clinical significance of this variant remains unclear.

Labcorp Genetics (formerly Invitae), Labcorp
Classification: Uncertain significance for Primary familial hypertrophic cardiomyopathy; Dilated cardiomyopathy 1AA. Last evaluated: 2021-04-16. Review status: criteria provided, single submitter. Criteria: Invitae Variant Classification Sherloc (09022015). Collection method: clinical testing. Allele origin: germline.
Comment: This sequence change replaces aspartic acid with tyrosine at codon 322 of the ACTN2 protein (p.Asp322Tyr). The aspartic acid residue is highly conserved and there is a large physicochemical difference between aspartic acid and tyrosine. This variant is not present in population databases (ExAC no frequency). In summary, the available evidence is currently insufficient to determine the role of this variant in disease. Therefore, it has been classified as a Variant of Uncertain Significance. Advanced modeling of protein sequence and biophysical properties (such as structural, functional, and spatial information, amino acid conservation, physicochemical variation, residue mobility, and thermodynamic stability) performed at Invitae indicates that this missense variant is not expected to disrupt ACTN2 protein function. This variant has not been reported in the literature in individuals with ACTN2-related conditions.

Blueprint Genetics
Classification: Uncertain significance. Last evaluated: 2020-07-14. Review status: criteria provided, single submitter. Criteria: ACMG Guidelines, 2015. Collection method: clinical testing. Allele origin: germline.